The following is an entry in ClinVar:

ClinVar aggregate classification (germline): Uncertain significance (1 of 4 stars; one submission).

Allele frequency attached by ClinVar (database versions not stated): TOPMed below 0.00001.

Submission:

GeneDx
Classification: Uncertain significance. Last evaluated: 2025-11-03. Review status: criteria provided, single submitter. Criteria: GeneDx Variant Classification Process June 2021. Collection method: clinical testing. Allele origin: germline. Affected: yes.
Comment: Observed in a fetus with concerns for Noonan spectrum disorder; the variant was maternally inherited (Mei et al. (2017) Next Generation Sequencing Based Clinical Molecular Diagnosis of Human Genetic Disorders. DOI 10.1007/978-3-319-56418-0_9); Not observed at significant frequency in large population cohorts (gnomAD); Missense variants in this gene are often considered pathogenic (HGMD); In silico analysis supports that this missense variant does not alter protein structure/function; This variant is associated with the following publications: (PMID: 29493581)

NM_005633.4(SOS1):c.1051C>G (p.Leu351Val)

Gene: SOS1 (SOS Ras/Rac guanine nucleotide exchange factor 1; minus strand). Cytogenetic location: 2p22.1.
Variant type: single nucleotide variant.
Coding change: c.1051C>G on transcript NM_005633.4 (MANE Select); coding-DNA position 1051, C replaced by G.
Protein change: p.Leu351Val; replaces leucine 351 with valine.
Molecular consequence: missense variant.
Genome position (GRCh38, 1-based): chr2:39,035,235, G>C on the plus strand (C>G on the coding strand, the complement: SOS1 is on the minus strand). VCF-style: chr2-39035235-G-C. GRCh37 (hg19) VCF-style: chr2-39262376-G-C.
Other names: c.1030C>G, p.Leu344Val (NM_001382394.1); c.1051C>G, p.Leu351Val (NM_001382395.1); short protein forms L344V, L351V.
Identifiers: ClinVar variation 2446545 (VCV002446545.2), dbSNP rs771185305, ClinGen allele CA346367110.